The following is an entry in ClinVar:

NM_020937.4(FANCM):c.2109A>G (p.Ile703Met)

Gene: FANCM (FA complementation group M; plus strand). Cytogenetic location: 14q21.2.
Variant type: single nucleotide variant.
Coding change: c.2109A>G on transcript NM_020937.4 (MANE Select); coding-DNA position 2109, A replaced by G.
Protein change: p.Ile703Met; replaces isoleucine 703 with methionine.
Molecular consequence: missense variant.
Genome position (GRCh38, 1-based): chr14:45,170,695, A>G. VCF-style: chr14-45170695-A-G. GRCh37 (hg19) VCF-style: chr14-45639898-A-G.
Other names: c.2031A>G, p.Ile677Met (NM_001308133.2); short protein forms I703M, I677M.
Identifiers: ClinVar variation 3512892 (VCV003512892.3).

ClinVar aggregate classification (germline): Uncertain significance. Review status: criteria provided, multiple submitters, no conflicts (2 of 4 stars). 2 submissions from 2 submitters: Uncertain significance (2). Last evaluated 2024-11-17.

Conditions:
Inborn genetic diseases. Identifiers: MedGen C0950123, MeSH D030342.
Fanconi anemia (FA). Also called: Fanconi's anemia. Identifiers: Orphanet 84, MedGen C0015625, MeSH D005199, MONDO:0019391.

gnomAD v4.1: 3 of 1,610,628 alleles (0.00019%); highest among the groups gnomAD compares: African/African-American, 0.004%; no homozygotes.

Submissions (2):

Ambry Genetics
Classification: Uncertain significance for Inborn genetic diseases. Last evaluated: 2024-11-17. Review status: criteria provided, single submitter. Criteria: Ambry Variant Classification Scheme 2023. Collection method: clinical testing. Allele origin: germline.
Comment: The p.I703M variant (also known as c.2109A>G), located in coding exon 12 of the FANCM gene, results from an A to G substitution at nucleotide position 2109. The isoleucine at codon 703 is replaced by methionine, an amino acid with highly similar properties. This amino acid position is conserved. In addition, this alteration is predicted to be tolerated by in silico analysis. Based on the available evidence, the clinical significance of this variant remains unclear.

Labcorp Genetics (formerly Invitae), Labcorp
Classification: Uncertain significance for Fanconi anemia. Last evaluated: 2024-09-16. Review status: criteria provided, single submitter. Criteria: Invitae Variant Classification Sherloc (09022015). Collection method: clinical testing. Allele origin: germline.
Comment: This sequence change replaces isoleucine, which is neutral and non-polar, with methionine, which is neutral and non-polar, at codon 703 of the FANCM protein (p.Ile703Met). This variant is not present in population databases (gnomAD no frequency). This variant has not been reported in the literature in individuals affected with FANCM-related conditions. An algorithm developed to predict the effect of missense changes on protein structure and function (PolyPhen-2) suggests that this variant is likely to be disruptive. In summary, the available evidence is currently insufficient to determine the role of this variant in disease. Therefore, it has been classified as a Variant of Uncertain Significance.